The following is an entry in ClinVar:

NM_002317.7(LOX):c.304G>A (p.Ala102Thr)

Genes: LOX (lysyl oxidase; minus strand), SRFBP1 (serum response factor binding protein 1; plus strand). Cytogenetic location: 5q23.1.
Variant type: single nucleotide variant.
Coding change: c.304G>A on transcript NM_002317.7 (MANE Select); coding-DNA position 304, G replaced by A.
Protein change: p.Ala102Thr; replaces alanine 102 with threonine.
Molecular consequence: missense variant.
Genome position (GRCh38, 1-based): chr5:122,077,682, C>T on the plus strand (G>A on the coding strand, the complement: LOX is on the minus strand). VCF-style: chr5-122077682-C-T. GRCh37 (hg19) VCF-style: chr5-121413377-C-T.
Other names: short protein forms A102T.
Identifiers: ClinVar variation 2655655 (VCV002655655.25), dbSNP rs2532917259, ClinGen allele CA360877004.

ClinVar aggregate classification (germline): Uncertain significance. Review status: criteria provided, multiple submitters, no conflicts (2 of 4 stars). 2 submissions from 2 submitters: Uncertain significance (2). Last evaluated 2025-06-07.

Submissions (2):

Labcorp Genetics (formerly Invitae), Labcorp
Classification: Uncertain significance. Last evaluated: 2025-06-07. Review status: criteria provided, single submitter. Criteria: Invitae Variant Classification Sherloc (09022015). Collection method: clinical testing. Allele origin: germline.
Comment: This sequence change replaces alanine, which is neutral and non-polar, with threonine, which is neutral and polar, at codon 102 of the LOX protein (p.Ala102Thr). This variant is not present in population databases (gnomAD no frequency). This variant has not been reported in the literature in individuals affected with LOX-related conditions. ClinVar contains an entry for this variant (Variation ID: 2655655). Invitae Evidence Modeling of protein sequence and biophysical properties (such as structural, functional, and spatial information, amino acid conservation, physicochemical variation, residue mobility, and thermodynamic stability) indicates that this missense variant is not expected to disrupt LOX protein function with a negative predictive value of 95%. In summary, the available evidence is currently insufficient to determine the role of this variant in disease. Therefore, it has been classified as a Variant of Uncertain Significance.

CeGaT Center for Human Genetics Tuebingen
Classification: Uncertain significance. Last evaluated: 2022-12-01. Review status: criteria provided, single submitter. Criteria: CeGaT Center For Human Genetics Tuebingen Variant Classification Criteria Version 2. Collection method: clinical testing. Allele origin: germline. Affected: yes. Observed: 1 variant allele.
Comment: LOX: PM2